The following is an entry in ClinVar:

ClinVar aggregate classification (germline): Uncertain significance. Review status: criteria provided, multiple submitters, no conflicts (2 of 4 stars). 2 submissions from 2 submitters: Uncertain significance (2). Last evaluated 2025-10-06.

Conditions:
Oligodontia-cancer predisposition syndrome. Also called: TOOTH AGENESIS-COLORECTAL CANCER SYNDROME. Identifiers: MedGen C1837750, MONDO:0012075, OMIM 608615, Orphanet 300576. Disease mechanism: loss of function.
Hereditary cancer-predisposing syndrome. Also called: Neoplastic Syndromes, Hereditary; Hereditary neoplastic syndrome; Tumor predisposition; Hereditary Cancer Syndrome. Identifiers: Orphanet 140162, MedGen C0027672, MeSH D009386, MONDO:0015356.

Allele frequency attached by ClinVar (database versions not stated): gnomAD exomes below 0.00001; gnomAD 0.00001.
gnomAD v4.1: 4 of 1,607,944 alleles (0.00025%); highest among the groups gnomAD compares: African/African-American, 0.004%; no homozygotes.

Submissions (2):

Ambry Genetics
Classification: Uncertain significance for Hereditary cancer-predisposing syndrome. Last evaluated: 2025-10-06. Review status: criteria provided, single submitter. Criteria: Ambry Variant Classification Scheme 2023. Collection method: clinical testing. Allele origin: germline.
Comment: The p.P579H variant (also known as c.1736C>A), located in coding exon 6 of the AXIN2 gene, results from a C to A substitution at nucleotide position 1736. The proline at codon 579 is replaced by histidine, an amino acid with similar properties. This amino acid position is conserved. In addition, this alteration is predicted to be tolerated by in silico analysis. Based on the available evidence, the clinical significance of this variant remains unclear.

Labcorp Genetics (formerly Invitae), Labcorp
Classification: Uncertain significance for Oligodontia-cancer predisposition syndrome. Last evaluated: 2024-02-17. Review status: criteria provided, single submitter. Criteria: Invitae Variant Classification Sherloc (09022015). Collection method: clinical testing. Allele origin: germline.
Comment: This sequence change replaces proline, which is neutral and non-polar, with histidine, which is basic and polar, at codon 579 of the AXIN2 protein (p.Pro579His). This variant is not present in population databases (gnomAD no frequency). This variant has not been reported in the literature in individuals affected with AXIN2-related conditions. An algorithm developed to predict the effect of missense changes on protein structure and function (PolyPhen-2) suggests that this variant is likely to be disruptive. In summary, the available evidence is currently insufficient to determine the role of this variant in disease. Therefore, it has been classified as a Variant of Uncertain Significance.

NM_004655.4(AXIN2):c.1736C>A (p.Pro579His)

Gene: AXIN2 (axin 2; minus strand). Cytogenetic location: 17q24.1.
Variant type: single nucleotide variant.
Coding change: c.1736C>A on transcript NM_004655.4 (MANE Select); coding-DNA position 1736, C replaced by A.
Protein change: p.Pro579His; replaces proline 579 with histidine.
Molecular consequence: missense variant. On other transcripts: intron variant (1).
Genome position (GRCh38, 1-based): chr17:65,537,040, G>T on the plus strand (C>A on the coding strand, the complement: AXIN2 is on the minus strand). VCF-style: chr17-65537040-G-T. GRCh37 (hg19) VCF-style: chr17-63533158-G-T.
Other names: c.1712+284C>A (NM_001363813.1); short protein forms P579H.
Identifiers: ClinVar variation 2855924 (VCV002855924.4), dbSNP rs2043937008, ClinGen allele CA400676716.
Genomic context (GRCh38, chr17:65,537,040, plus strand): 5'-GCCCCTCCTTCCCTGGCGGGCAGGGCCAGGCCCGGCTCCGTGCCTTTCCCATTGCGTTTG[G>T]GCAAGGTACTGCCTCTGCTGCCGCTGTGGGGAACCAAGAACCACACCCAACCCAGAGACC-3'
Protein context (NP_004646.3, residues 569-589): QFGGSRGSTL[Pro579His]KRNGKGTEPG